The following is an entry in ClinVar:

ClinVar aggregate classification (germline): Uncertain significance (1 of 4 stars; one submission).

Allele frequency attached by ClinVar (database versions not stated): gnomAD exomes below 0.00001; ExAC 0.00001; gnomAD 0.00001; 1000 Genomes Project 0.00020; 1000 Genomes Project 30x 0.00031.
gnomAD v4.1: 6 of 1,614,046 alleles (0.00037%); highest among the groups gnomAD compares: South Asian, 0.0022%; no homozygotes.

Submission:

GeneDx
Classification: Uncertain significance. Last evaluated: 2023-12-01. Review status: criteria provided, single submitter. Criteria: GeneDx Variant Classification Process June 2021. Collection method: clinical testing. Allele origin: germline. Affected: yes.
Comment: Has not been previously published as pathogenic or benign to our knowledge; Not observed at significant frequency in large population cohorts (gnomAD); In silico analysis supports that this missense variant has a deleterious effect on protein structure/function

NM_020774.4(MIB1):c.368G>A (p.Arg123His)

Gene: MIB1 (MIB E3 ubiquitin protein ligase 1; plus strand). Cytogenetic location: 18q11.2.
Variant type: single nucleotide variant.
Coding change: c.368G>A on transcript NM_020774.4 (MANE Select); coding-DNA position 368, G replaced by A.
Protein change: p.Arg123His; replaces arginine 123 with histidine.
Molecular consequence: missense variant.
Genome position (GRCh38, 1-based): chr18:21,765,910, G>A. VCF-style: chr18-21765910-G-A. GRCh37 (hg19) VCF-style: chr18-19345871-G-A.
Other names: short protein forms R123H.
Identifiers: ClinVar variation 3253570 (VCV003253570.1), dbSNP rs541957058.